The following is an entry in ClinVar:

NM_001374736.1(DST):c.2756C>T (p.Ala919Val)

Gene: DST (dystonin; minus strand). Cytogenetic location: 6p12.1.
Variant type: single nucleotide variant.
Coding change: c.2756C>T on transcript NM_001374736.1 (MANE Select); coding-DNA position 2756, C replaced by T.
Protein change: p.Ala919Val; replaces alanine 919 with valine.
Molecular consequence: missense variant.
Genome position (GRCh38, 1-based): chr6:56,639,553, G>A on the plus strand (C>T on the coding strand, the complement: DST is on the minus strand). VCF-style: chr6-56639553-G-A. GRCh37 (hg19) VCF-style: chr6-56504351-G-A.
Other names: c.2657C>T, p.Ala886Val (NM_001144769.5); c.2243C>T, p.Ala748Val (NM_001144770.2); c.2756C>T, p.Ala919Val (NM_001374722.1); c.2123C>T, p.Ala708Val (NM_001374729.1, NM_001374730.1, NM_001386100.1 and 1 more transcripts); c.2783C>T, p.Ala928Val (NM_001374734.1); c.1145C>T, p.Ala382Val (NM_001723.7, NM_015548.5); short protein forms A382V, A708V, A748V, A886V, A919V, A928V.
Identifiers: ClinVar variation 1017966 (VCV001017966.5), dbSNP rs778615450, ClinGen allele CA3871328.
Genomic context (GRCh38, chr6:56,639,553, plus strand): 5'-CTCCAGTCATAAGCAACTTCCTCCTCTTCTTTTTCATTCAACCAAATAAGTTCATTAGTC[G>A]CACGACTTACAAAATTATGGAGTGTATCAAGGTGCCGTTCTTGATTCCTGGATGTATTCT-3'
Protein context (NP_001361665.1, residues 909-929): LDTLHNFVSR[Ala919Val]TNELIWLNEK

ClinVar aggregate classification (germline): Uncertain significance (1 of 4 stars; one submission).

Conditions:
Hereditary sensory and autonomic neuropathy type 6. Also called: HSAN VI; Neuropathy, hereditary sensory and autonomic, type VI. Identifiers: Orphanet 314381, MedGen C3539003, MONDO:0013839, OMIM 614653.
Epidermolysis bullosa simplex 3, localized or generalized intermediate, with BP230 deficiency (EBS3). Also called: Epidermolysis bullosa simplex due to BP230 deficiency; Epidermolysis bullosa simplex, autosomal recessive 2. Identifiers: Orphanet 412181, MedGen C3809470, MONDO:0014180, OMIM 615425.

Allele frequency attached by ClinVar (database versions not stated): gnomAD 0.00003 and 0.00004; gnomAD exomes 0.00003 and 0.00004; TOPMed 0.00003; ExAC 0.00005.

Submission:

Labcorp Genetics (formerly Invitae), Labcorp
Classification: Uncertain significance for Epidermolysis bullosa simplex 3, localized or generalized intermediate, with BP230 deficiency; Hereditary sensory and autonomic neuropathy type 6. Last evaluated: 2023-04-28. Review status: criteria provided, single submitter. Criteria: Invitae Variant Classification Sherloc (09022015). Collection method: clinical testing. Allele origin: germline.
Comment: In summary, the available evidence is currently insufficient to determine the role of this variant in disease. Therefore, it has been classified as a Variant of Uncertain Significance. An algorithm developed to predict the effect of missense changes on protein structure and function (PolyPhen-2) suggests that this variant is likely to be disruptive. ClinVar contains an entry for this variant (Variation ID: 1017966). This variant has not been reported in the literature in individuals affected with DST-related conditions. This variant is present in population databases (rs778615450, gnomAD 0.007%). This sequence change replaces alanine, which is neutral and non-polar, with valine, which is neutral and non-polar, at codon 382 of the DST protein (p.Ala382Val).